The following is an entry in ClinVar:

ClinVar aggregate classification (germline): Likely benign (0 of 4 stars; one submission).

Conditions:
PLXNA3-related disorder. Also called: PLXNA3-related condition.

Submission:

PreventionGenetics, part of Exact Sciences
Classification: Likely benign for PLXNA3-related condition. Last evaluated: 2021-06-16. Review status: no assertion criteria provided. Collection method: clinical testing. Allele origin: germline.
Comment: This variant is classified as likely benign based on ACMG/AMP sequence variant interpretation guidelines (Richards et al. 2015 PMID: 25741868, with internal and published modifications).

NM_017514.5(PLXNA3):c.1728C>T (p.Phe576=)

Gene: PLXNA3 (plexin A3; plus strand). Cytogenetic location: Xq28.
Variant type: single nucleotide variant.
Coding change: c.1728C>T on transcript NM_017514.5 (MANE Select); coding-DNA position 1728, C replaced by T.
Protein change: p.Phe576=; no amino-acid change (phenylalanine 576 retained).
Molecular consequence: synonymous variant.
Genome position (GRCh38, 1-based): chrX:154,464,213, C>T. VCF-style: chrX-154464213-C-T. GRCh37 (hg19) VCF-style: chrX-153692556-C-T.
Identifiers: ClinVar variation 3356443 (VCV003356443.1).